The following is an entry in ClinVar:

ClinVar aggregate classification (germline): Uncertain significance. Review status: criteria provided, multiple submitters, no conflicts (2 of 4 stars). 2 submissions from 2 submitters: Uncertain significance (2). Last evaluated 2025-02-10.

gnomAD v4.1: 3 of 1,596,570 alleles (0.00019%); highest among the groups gnomAD compares: Non-Finnish European, 0.00026%; no homozygotes.

Submissions (2):

Labcorp Genetics (formerly Invitae), Labcorp
Classification: Uncertain significance. Last evaluated: 2025-02-10. Review status: criteria provided, single submitter. Criteria: Invitae Variant Classification Sherloc (09022015). Collection method: clinical testing. Allele origin: germline.
Comment: This sequence change replaces asparagine, which is neutral and polar, with aspartic acid, which is acidic and polar, at codon 234 of the PROM1 protein (p.Asn234Asp). This variant is not present in population databases (gnomAD no frequency). This variant has not been reported in the literature in individuals affected with PROM1-related conditions. Invitae Evidence Modeling of protein sequence and biophysical properties (such as structural, functional, and spatial information, amino acid conservation, physicochemical variation, residue mobility, and thermodynamic stability) indicates that this missense variant is not expected to disrupt PROM1 protein function with a negative predictive value of 80%. In summary, the available evidence is currently insufficient to determine the role of this variant in disease. Therefore, it has been classified as a Variant of Uncertain Significance.

Blueprint Genetics
Classification: Uncertain significance. Last evaluated: 2022-11-17. Review status: criteria provided, single submitter. Criteria: ACMG Guidelines, 2015. Collection method: clinical testing. Allele origin: germline.

NM_006017.3(PROM1):c.700A>G (p.Asn234Asp)

Gene: PROM1 (prominin 1; minus strand). Cytogenetic location: 4p15.32.
Variant type: single nucleotide variant.
Coding change: c.700A>G on transcript NM_006017.3 (MANE Select); coding-DNA position 700, A replaced by G.
Protein change: p.Asn234Asp; replaces asparagine 234 with aspartic acid.
Molecular consequence: missense variant. On other transcripts: non-coding transcript variant (2).
Genome position (GRCh38, 1-based): chr4:16,023,410, T>C on the plus strand (A>G on the coding strand, the complement: PROM1 is on the minus strand). VCF-style: chr4-16023410-T-C. GRCh37 (hg19) VCF-style: chr4-16025033-T-C.
Other names: c.673A>G, p.Asn225Asp (NM_001145847.2, NM_001145848.2, NM_001145851.2 and 9 more transcripts); c.700A>G, p.Asn234Asp (NM_001145849.2, NM_001145850.2); c.589A>G, p.Asn197Asp (NM_001441174.1); c.334A>G, p.Asn112Asp (NM_001441179.1); short protein forms N112D, N197D, N225D, N234D.
Identifiers: ClinVar variation 4806378 (VCV004806378.2).